The following is an entry in ClinVar:

ClinVar aggregate classification (germline): Uncertain significance. Review status: criteria provided, multiple submitters, no conflicts (2 of 4 stars). 2 submissions from 2 submitters: Uncertain significance (2). Last evaluated 2023-12-28.

Conditions:
Inborn genetic diseases. Identifiers: MedGen C0950123, MeSH D030342.
Hereditary sensory and autonomic neuropathy type 6. Also called: Neuropathy, hereditary sensory and autonomic, type VI; HSAN VI. Identifiers: Orphanet 314381, MedGen C3539003, MONDO:0013839, OMIM 614653.
Epidermolysis bullosa simplex 3, localized or generalized intermediate, with BP230 deficiency (EBS3). Also called: Epidermolysis bullosa simplex, autosomal recessive 2; Epidermolysis bullosa simplex due to BP230 deficiency. Identifiers: Orphanet 412181, MedGen C3809470, MONDO:0014180, OMIM 615425.

gnomAD v4.1: 10 of 1,612,676 alleles (0.00062%); highest among the groups gnomAD compares: African/African-American, 0.012%; no homozygotes.

Submissions (2):

Ambry Genetics
Classification: Uncertain significance for Inborn genetic diseases. Last evaluated: 2023-12-28. Review status: criteria provided, single submitter. Criteria: Ambry Variant Classification Scheme 2023. Collection method: clinical testing. Allele origin: germline.

Labcorp Genetics (formerly Invitae), Labcorp
Classification: Uncertain significance for Epidermolysis bullosa simplex 3, localized or generalized intermediate, with BP230 deficiency; Hereditary sensory and autonomic neuropathy type 6. Last evaluated: 2021-11-05. Review status: criteria provided, single submitter. Criteria: Invitae Variant Classification Sherloc (09022015). Collection method: clinical testing. Allele origin: germline.
Comment: This variant is present in population databases (rs763176568, gnomAD 0.01%). The DST gene has multiple clinically relevant transcripts. This variant occurs in alternate transcript NM_015548.4, and corresponds to NM_001723.5:c.*125933T>A in the primary transcript. This sequence change replaces methionine, which is neutral and non-polar, with lysine, which is basic and polar, at codon 4305 of the DST protein (p.Met4305Lys). This variant has not been reported in the literature in individuals affected with DST-related conditions. Experimental studies and prediction algorithms are not available or were not evaluated, and the functional significance of this variant is currently unknown. In summary, the available evidence is currently insufficient to determine the role of this variant in disease. Therefore, it has been classified as a Variant of Uncertain Significance.

NM_001374736.1(DST):c.20783T>A (p.Met6928Lys)

Gene: DST (dystonin; minus strand). Cytogenetic location: 6p12.1.
Variant type: single nucleotide variant.
Coding change: c.20783T>A on transcript NM_001374736.1 (MANE Select); coding-DNA position 20783, T replaced by A.
Protein change: p.Met6928Lys; replaces methionine 6928 with lysine.
Molecular consequence: missense variant.
Genome position (GRCh38, 1-based): chr6:56,489,584, A>T on the plus strand (T>A on the coding strand, the complement: DST is on the minus strand). VCF-style: chr6-56489584-A-T. GRCh37 (hg19) VCF-style: chr6-56354382-A-T.
Other names: c.14426T>A (NM_001144769.2); c.14426T>A, p.Met4809Lys (NM_001144769.5); c.14012T>A, p.Met4671Lys (NM_001144770.2); c.20783T>A, p.Met6928Lys (NM_001374722.1); c.19823T>A, p.Met6608Lys (NM_001374729.1); c.13565T>A, p.Met4522Lys (NM_001374730.1); c.20810T>A, p.Met6937Lys (NM_001374734.1); c.13892T>A, p.Met4631Lys (NM_001386100.1, NM_183380.4); and 1 more; short protein forms M4671K, M4809K, M4522K, M4631K, M6608K, M4305K, M6928K, M6937K.
Identifiers: ClinVar variation 1409573 (VCV001409573.7), dbSNP rs763176568, ClinGen allele CA3866665.